The following is an entry in ClinVar:

ClinVar aggregate classification (germline): Uncertain significance (1 of 4 stars; one submission).

Submission:

CeGaT Center for Human Genetics Tuebingen
Classification: Uncertain significance. Last evaluated: 2024-06-01. Review status: criteria provided, single submitter. Criteria: CeGaT Center For Human Genetics Tuebingen Variant Classification Criteria Version 2. Collection method: clinical testing. Allele origin: germline. Affected: yes. Observed: 2 variant alleles.
Comment: PIGQ: PM2, BP4

NM_004204.5(PIGQ):c.*340G>A

Gene: PIGQ (phosphatidylinositol glycan anchor biosynthesis class Q; plus strand). Cytogenetic location: 16p13.3.
Variant type: single nucleotide variant.
Coding change: c.*340G>A on transcript NM_004204.5 (MANE Select); 340 bases downstream of the stop codon, G replaced by A.
Molecular consequence: 3 prime UTR variant. On other transcripts: missense variant (1).
Genome position (GRCh38, 1-based): chr16:583,375, G>A. VCF-style: chr16-583375-G-A. GRCh37 (hg19) VCF-style: chr16-633375-G-A.
Other names: c.2024G>A, p.Arg675His (NM_148920.4); short protein forms R675H.
Identifiers: ClinVar variation 2645832 (VCV002645832.24), dbSNP rs143344114, ClinGen allele CA7780597.